The following is an entry in ClinVar:

ClinVar aggregate classification (germline): Uncertain significance (1 of 4 stars; one submission).

Submission:

GeneDx
Classification: Uncertain significance. Last evaluated: 2023-10-13. Review status: criteria provided, single submitter. Criteria: GeneDx Variant Classification Process June 2021. Collection method: clinical testing. Allele origin: germline. Affected: yes.
Comment: Not observed at significant frequency in large population cohorts (gnomAD); In silico analysis supports that this missense variant does not alter protein structure/function; Has not been previously published as pathogenic or benign to our knowledge

NM_002693.3(POLG):c.3658A>G (p.Ile1220Val)

Genes: FANCI (FA complementation group I; plus strand), POLG (DNA polymerase gamma, catalytic subunit; minus strand). Cytogenetic location: 15q26.1.
Variant type: single nucleotide variant.
Coding change: c.3658A>G on transcript NM_002693.3 (MANE Select); coding-DNA position 3658, A replaced by G.
Protein change: p.Ile1220Val; replaces isoleucine 1220 with valine.
Molecular consequence: missense variant. On other transcripts: 3 prime UTR variant (4).
Genome position (GRCh38, 1-based): chr15:89,316,813, T>C on the plus strand (A>G on the coding strand, the complement: POLG is on the minus strand). VCF-style: chr15-89316813-T-C. GRCh37 (hg19) VCF-style: chr15-89860044-T-C.
Other names: c.3658A>G, p.Ile1220Val (NM_001126131.2); c.*354T>C (NM_001113378.2, NM_001376910.1, NM_001376911.1 and 1 more transcripts); short protein forms I1220V.
Identifiers: ClinVar variation 3252700 (VCV003252700.1), dbSNP rs2509157797.